The following is an entry in ClinVar:

NM_000018.4(ACADVL):c.1185C>G (p.Ser395=)

Gene: ACADVL (acyl-CoA dehydrogenase very long chain; plus strand). Cytogenetic location: 17p13.1.
Variant type: single nucleotide variant.
Coding change: c.1185C>G on transcript NM_000018.4 (MANE Select); coding-DNA position 1185, C replaced by G.
Protein change: p.Ser395=; no amino-acid change (serine 395 retained).
Molecular consequence: synonymous variant.
Genome position (GRCh38, 1-based): chr17:7,223,646, C>G. VCF-style: chr17-7223646-C-G. GRCh37 (hg19) VCF-style: chr17-7126965-C-G.
Other names: c.1119C>G, p.Ser373= (NM_001033859.3); c.1254C>G, p.Ser418= (NM_001270447.2); c.957C>G, p.Ser319= (NM_001270448.2).
Identifiers: ClinVar variation 2017759 (VCV002017759.4), dbSNP rs2508339993, ClinGen allele CA497694064.

ClinVar aggregate classification (germline): Uncertain significance (1 of 4 stars; one submission).

Conditions:
Very long chain acyl-CoA dehydrogenase deficiency (ACADVLD). Also called: Very Long-Chain Acyl-Coenzyme A Dehydrogenase Deficiency; VLCAD Deficiency. Identifiers: Orphanet 26793, MedGen C3887523, MONDO:0008723, OMIM 201475.

Submission:

Labcorp Genetics (formerly Invitae), Labcorp
Classification: Uncertain significance for Very long chain acyl-CoA dehydrogenase deficiency. Last evaluated: 2022-07-17. Review status: criteria provided, single submitter. Criteria: Invitae Variant Classification Sherloc (09022015). Collection method: clinical testing. Allele origin: germline.
Comment: This sequence change affects codon 395 of the ACADVL mRNA. It is a 'silent' change, meaning that it does not change the encoded amino acid sequence of the ACADVL protein. This variant is not present in population databases (gnomAD no frequency). This variant has not been reported in the literature in individuals affected with ACADVL-related conditions. Algorithms developed to predict the effect of sequence changes on RNA splicing suggest that this variant may create or strengthen a splice site. In summary, the available evidence is currently insufficient to determine the role of this variant in disease. Therefore, it has been classified as a Variant of Uncertain Significance.